The following is an entry in ClinVar:

ClinVar aggregate classification (germline): Uncertain significance (1 of 4 stars; one submission).

Conditions:
Multiple mitochondrial dysfunctions syndrome 10. Identifiers: MedGen C5975413, MONDO:0975806, OMIM 620960.

gnomAD v4.1: 4 of 1,614,096 alleles (0.00025%); highest among the groups gnomAD compares: Non-Finnish European, 0.00034%; no homozygotes.

Submission:

Diagnostics Services (NGS), CSIR - Centre For Cellular And Molecular Biology
Classification: Uncertain significance for Multiple mitochondrial dysfunctions syndrome 10. Last evaluated: 2026-01-08. Review status: criteria provided, single submitter. Criteria: ACMG Guidelines, 2015. Collection method: clinical testing. Allele origin: germline. Affected: yes. Observed: 1 variant allele, 1 heterozygote.
Comment: The c.752A>G variant is not present in 1000 Genomes, EVS, Indian Exome Database or our internal database. The variant is present in gnomAD at a low frequency. This variant has neither been published in the literature for CIAO1-related conditions nor reported to the HGMD, OMIM, or ClinVar, databases in any affected individuals. In-silico pathogenicity prediction programs like Polyphen-2, MutationTaster2, CADD, etc predicted this variant to be likely deleterious, however these predictions were not confirmed by published functional studies.

NM_004804.3(CIAO1):c.752A>G (p.His251Arg)

Gene: CIAO1 (cytosolic iron-sulfur assembly component 1; plus strand). Cytogenetic location: 2q11.2.
Variant type: single nucleotide variant.
Coding change: c.752A>G on transcript NM_004804.3 (MANE Select); coding-DNA position 752, A replaced by G.
Protein change: p.His251Arg; replaces histidine 251 with arginine.
Molecular consequence: missense variant.
Genome position (GRCh38, 1-based): chr2:96,269,328, A>G. VCF-style: chr2-96269328-A-G. GRCh37 (hg19) VCF-style: chr2-96935066-A-G.
Other names: short protein forms H251R.
Identifiers: ClinVar variation 4849679 (VCV004849679.1).